The following is an entry in ClinVar:

ClinVar aggregate classification (germline): Uncertain significance (1 of 4 stars; one submission).

Conditions:
Neurofibromatosis, type 2 (SWNV). Also called: BILATERAL ACOUSTIC NEUROFIBROMATOSIS; NF2-Related Schwannomatosis; SCHWANNOMATOSIS, VESTIBULAR. Identifiers: Orphanet 637, MedGen C0027832, MONDO:0007039, OMIM 101000. Disease mechanism: loss of function.

Submission:

Labcorp Genetics (formerly Invitae), Labcorp
Classification: Uncertain significance for Neurofibromatosis, type 2. Last evaluated: 2023-03-24. Review status: criteria provided, single submitter. Criteria: Invitae Variant Classification Sherloc (09022015). Collection method: clinical testing. Allele origin: germline.
Comment: This variant, c.728_745del, results in the deletion of 6 amino acid(s) of the NF2 protein (p.Ile243_Asn248del), but otherwise preserves the integrity of the reading frame. This variant is not present in population databases (gnomAD no frequency). This variant has not been reported in the literature in individuals affected with NF2-related conditions. Experimental studies and prediction algorithms are not available or were not evaluated, and the functional significance of this variant is currently unknown. In summary, the available evidence is currently insufficient to determine the role of this variant in disease. Therefore, it has been classified as a Variant of Uncertain Significance.

NM_000268.4(NF2):c.728_745del (p.Ile243_Asn248del)

Gene: NF2 (NF2, moesin-ezrin-radixin like (MERLIN) tumor suppressor; plus strand). Cytogenetic location: 22q12.2.
Variant type: Deletion.
Coding change: c.728_745del on transcript NM_000268.4 (MANE Select); coding-DNA positions 728 to 745, 18 bases deleted (TTTATGACCCTGAGAACA).
Protein change: p.Ile243_Asn248del.
Molecular consequence: inframe deletion. On other transcripts: non-coding transcript variant (1), intron variant (4).
Genome position (GRCh38, 1-based): chr22:29,661,257-29,661,274, TTTATGACCCTGAGAACA deleted; deleting any 18 consecutive bases within chr22:29,661,254-29,661,274 gives the same sequence; the c. name uses the placement nearest the transcript's 3' end. VCF-style (leftmost placement, unchanged base first): chr22-29661253-CACATTTATGACCCTGAGA-C. GRCh37 (hg19) VCF-style: chr22-30057242-CACATTTATGACCCTGAGA-C.
Other names: c.614_631del, p.Ile205_Asn210del (NM_001407053.1, NM_001407056.1); c.605_622del, p.Ile202_Asn207del (NM_001407054.1, NM_001407058.1, NM_181829.3); c.602_619del, p.Ile201_Asn206del (NM_001407055.1, NM_181828.3); c.728_745del, p.Ile243_Asn248del (NM_001407060.1, NM_001407066.1, NM_016418.5 and 2 more transcripts); c.479_496del, p.Ile160_Asn165del (NM_001407063.1, NM_001407064.1, NM_181830.3 and 1 more transcripts); c.194_211del, p.Ile65_Asn70del (NM_001407065.1); c.497_514del, p.Ile166_Asn171del (NM_001407067.1); c.675+2993_675+3010del (NM_001407059.1, NM_001407057.1); and 2 more.
Identifiers: ClinVar variation 2872429 (VCV002872429.3), dbSNP rs2518597131, ClinGen allele CA2739267873.